The following is an entry in ClinVar:

ClinVar aggregate classification (germline): Conflicting classifications of pathogenicity. Review status: criteria provided, conflicting classifications (1 of 4 stars). 2 submissions from 2 submitters: Pathogenic (1); Uncertain significance (1). Last evaluated 2025-04-10.

Conditions:
Biotinidase deficiency. Also called: BTD deficiency; Late-onset biotin-responsive multiple carboxylase deficiency; Biotin deficiency. Identifiers: Orphanet 79241, MedGen C0220754, MONDO:0009665, OMIM 253260.

Allele frequency attached by ClinVar (database versions not stated): gnomAD exomes 0.00001.
gnomAD v4.1: 19 of 1,614,172 alleles (0.0012%); highest among the groups gnomAD compares: Non-Finnish European, 0.0016%; no homozygotes.

Submissions (2):

Women's Health and Genetics/Laboratory Corporation of America, LabCorp
Classification: Uncertain significance. Last evaluated: 2025-04-10. Review status: criteria provided, single submitter. Criteria: LabCorp Variant Classification Summary - May 2015. Collection method: clinical testing. Allele origin: germline.
Comment: Variant summary: BTD c.941T>A (p.Ile314Asn; also reported as c.1001T>A, p.I334N in the literature) results in a non-conservative amino acid change in the encoded protein sequence. Three of three in-silico tools predict a damaging effect of the variant on protein function. The variant was absent in 251246 control chromosomes (gnomAD). c.941T>A has been observed in individual(s) affected with biotinidase deficiency. These data indicate that the variant may be associated with disease. To our knowledge, no experimental evidence demonstrating an impact on protein function has been reported. The following publications have been ascertained in the context of this evaluation (PMID: 26810761). ClinVar contains an entry for this variant (Variation ID: 2203317). Based on the evidence outlined above, the variant was classified as VUS-possibly pathogenic.

Labcorp Genetics (formerly Invitae), Labcorp
Classification: Pathogenic for Biotinidase deficiency. Last evaluated: 2024-07-01. Review status: criteria provided, single submitter. Criteria: Invitae Variant Classification Sherloc (09022015). Collection method: clinical testing. Allele origin: germline.
Comment: This sequence change replaces isoleucine, which is neutral and non-polar, with asparagine, which is neutral and polar, at codon 334 of the BTD protein (p.Ile334Asn). This variant is not present in population databases (gnomAD no frequency). This missense change has been observed in individual(s) with clinical features of partial biotinidase deficiency (PMID: 26810761; Invitae). In at least one individual the data is consistent with being in trans (on the opposite chromosome) from a pathogenic variant. ClinVar contains an entry for this variant (Variation ID: 2203317). Advanced modeling of protein sequence and biophysical properties (such as structural, functional, and spatial information, amino acid conservation, physicochemical variation, residue mobility, and thermodynamic stability) performed at Invitae indicates that this missense variant is expected to disrupt BTD protein function with a positive predictive value of 95%. For these reasons, this variant has been classified as Pathogenic.

Literature cited by the submitters: PubMed 26810761 (cited by Women's Health and Genetics/Laboratory Corporation of America, LabCorp and Labcorp Genetics (formerly Invitae), Labcorp).

NM_001370658.1(BTD):c.941T>A (p.Ile314Asn)

Gene: BTD (biotinidase; plus strand). Cytogenetic location: 3p25.1.
Variant type: single nucleotide variant.
Coding change: c.941T>A on transcript NM_001370658.1 (MANE Select); coding-DNA position 941, T replaced by A.
Protein change: p.Ile314Asn; replaces isoleucine 314 with asparagine.
Molecular consequence: missense variant. On other transcripts: intron variant (1).
Genome position (GRCh38, 1-based): chr3:15,644,857, T>A. VCF-style: chr3-15644857-T-A. GRCh37 (hg19) VCF-style: chr3-15686364-T-A.
Other names: c.1001T>A, p.Ile334Asn (NM_000060.4); c.941T>A, p.Ile314Asn (NM_001281723.4, NM_001281724.3, NM_001281725.3 and 18 more transcripts); c.399+2800T>A (NM_001370753.1); short protein forms I314N.
Identifiers: ClinVar variation 2203317 (VCV002203317.5), dbSNP rs397514433, ClinGen allele CA278368.